The following is an entry in ClinVar:

NM_000038.6(APC):c.488A>C (p.Gln163Pro)

Gene: APC (APC regulator of Wnt signaling pathway; plus strand). Cytogenetic location: 5q22.2.
Variant type: single nucleotide variant.
Coding change: c.488A>C on transcript NM_000038.6 (MANE Select); coding-DNA position 488, A replaced by C.
Protein change: p.Gln163Pro; replaces glutamine 163 with proline.
Molecular consequence: missense variant. On other transcripts: 5 prime UTR variant (4), non-coding transcript variant (2).
Genome position (GRCh38, 1-based): chr5:112,775,694, A>C. VCF-style: chr5-112775694-A-C. GRCh37 (hg19) VCF-style: chr5-112111391-A-C.
Other names: c.488A>C (NM_000038.5); c.488A>C, p.Gln163Pro (NM_001127510.3, NM_001354895.2, NM_001354896.2 and 16 more transcripts); c.518A>C, p.Gln173Pro (NM_001127511.3, NM_001354897.2, NM_001354902.2 and 1 more transcripts); c.413A>C, p.Gln138Pro (NM_001354898.2, NM_001354904.2, NM_001407451.1); c.311A>C, p.Gln104Pro (NM_001354900.2, NM_001354901.2, NM_001354905.2 and 1 more transcripts); c.-548A>C (NM_001354906.2, NM_001407470.1, NM_001407471.1 and 1 more transcripts); short protein forms Q104P, Q138P, Q163P, Q173P.
Identifiers: ClinVar variation 2816643 (VCV002816643.4), dbSNP rs1554071584, ClinGen allele CA16022389.

ClinVar aggregate classification (germline): Uncertain significance. Review status: criteria provided, multiple submitters, no conflicts (2 of 4 stars). 2 submissions from 2 submitters: Uncertain significance (2). Last evaluated 2025-10-30.

Conditions:
Hereditary cancer-predisposing syndrome. Also called: Neoplastic Syndromes, Hereditary; Tumor predisposition; Hereditary Cancer Syndrome; Hereditary neoplastic syndrome. Identifiers: Orphanet 140162, MedGen C0027672, MeSH D009386, MONDO:0015356.
Familial adenomatous polyposis 1 (FAP1). Also called: FAMILIAL ADENOMATOUS POLYPOSIS 1, ATTENUATED; POLYPOSIS, ADENOMATOUS INTESTINAL. Identifiers: MedGen C2713442, MONDO:0021056, OMIM 175100. Disease mechanism: loss of function.

Submissions (2):

Ambry Genetics
Classification: Uncertain significance for Hereditary cancer-predisposing syndrome. Last evaluated: 2025-10-30. Review status: criteria provided, single submitter. Criteria: Ambry Variant Classification Scheme 2023. Collection method: clinical testing. Allele origin: germline.
Comment: The p.Q163P variant (also known as c.488A>C), located in coding exon 4 of the APC gene, results from an A to C substitution at nucleotide position 488. The glutamine at codon 163 is replaced by proline, an amino acid with similar properties. This amino acid position is conserved. In addition, in silico predictors for this gene do not accurately predict pathogenicity. Based on the available evidence, the clinical significance of this variant remains unclear.

Labcorp Genetics (formerly Invitae), Labcorp
Classification: Uncertain significance for Familial adenomatous polyposis 1. Last evaluated: 2024-09-25. Review status: criteria provided, single submitter. Criteria: Invitae Variant Classification Sherloc (09022015). Collection method: clinical testing. Allele origin: germline.
Comment: This sequence change replaces glutamine, which is neutral and polar, with proline, which is neutral and non-polar, at codon 163 of the APC protein (p.Gln163Pro). This variant is not present in population databases (gnomAD no frequency). This variant has not been reported in the literature in individuals affected with APC-related conditions. Invitae Evidence Modeling of protein sequence and biophysical properties (such as structural, functional, and spatial information, amino acid conservation, physicochemical variation, residue mobility, and thermodynamic stability) indicates that this missense variant is not expected to disrupt APC protein function with a negative predictive value of 95%. In summary, the available evidence is currently insufficient to determine the role of this variant in disease. Therefore, it has been classified as a Variant of Uncertain Significance.